The following is an entry in ClinVar:

ClinVar aggregate classification (germline): Conflicting classifications of pathogenicity. Review status: criteria provided, conflicting classifications (1 of 4 stars). 8 submissions from 8 submitters: Uncertain significance (1); Benign (2); Likely benign (3). 2 of the submissions do not count toward it. Last evaluated 2026-02-01.

Conditions:
Niemann-Pick disease, type C1. Also called: NEUROVISCERAL STORAGE DISEASE WITH VERTICAL SUPRANUCLEAR OPHTHALMOPLEGIA; NIEMANN-PICK DISEASE WITH CHOLESTEROL ESTERIFICATION BLOCK; NIEMANN-PICK DISEASE WITHOUT SPHINGOMYELINASE DEFICIENCY; NIEMANN-PICK DISEASE, CHRONIC NEURONOPATHIC FORM; NIEMANN-PICK DISEASE, VARIANT TYPE C1. Identifiers: Orphanet 646, MedGen C3179455, MONDO:0009757, OMIM 257220.

Allele frequency attached by ClinVar (database versions not stated): gnomAD exomes 0.00031 and 0.00085; ExAC 0.00110; gnomAD 0.00325 and 0.00352; 1000 Genomes Project 30x 0.00328; 1000 Genomes Project 0.00339; TOPMed 0.00345; ESP Exome Variant Server 0.00431.
gnomAD v4.1: 980 of 1,613,762 alleles (0.061%); highest among the groups gnomAD compares: African/African-American, 1.1%; 6 homozygotes.

Submissions (8):

CeGaT Center for Human Genetics Tuebingen
Classification: Benign. Last evaluated: 2026-02-01. Review status: criteria provided, single submitter. Criteria: CeGaT Center For Human Genetics Tuebingen Variant Classification Criteria Version 2. Collection method: clinical testing. Allele origin: germline. Affected: yes. Observed: 1 variant allele.
Comment: NPC1: BS1, BS2

Labcorp Genetics (formerly Invitae), Labcorp
Classification: Likely benign for Niemann-Pick disease, type C1. Last evaluated: 2026-01-27. Review status: criteria provided, single submitter. Criteria: Invitae Variant Classification Sherloc (09022015). Collection method: clinical testing. Allele origin: germline.

Mayo Clinic Laboratories, Mayo Clinic
Classification: Likely benign. Last evaluated: 2025-09-04. Review status: criteria provided, single submitter. Criteria: ACMG Guidelines, 2015. Collection method: clinical testing. Allele origin: germline. Observed: 2 variant alleles.
Comment: BS1

Women's Health and Genetics/Laboratory Corporation of America, LabCorp
Classification: Likely benign. Last evaluated: 2022-03-11. Review status: criteria provided, single submitter. Criteria: LabCorp Variant Classification Summary - May 2015. Collection method: clinical testing. Allele origin: germline.
Comment: Variant summary: NPC1 c.2882A>G (p.Asn961Ser) results in a conservative amino acid change in the encoded protein sequence. Four of five in-silico tools predict a benign effect of the variant on protein function. The variant allele was found at a frequency of 0.00085 in 251206 control chromosomes, predominantly at a frequency of 0.012 within the African or African-American subpopulation in the gnomAD database. The observed variant frequency within African or African-American control individuals in the gnomAD database is approximately 4 fold of the estimated maximal expected allele frequency for a pathogenic variant in NPC1 causing Niemann-Pick Disease Type C phenotype (0.0027), strongly suggesting that the variant is a benign polymorphism found primarily in populations of African or African-American origin. Four clinical diagnostic laboratories have submitted clinical-significance assessments for this variant to ClinVar after 2014 and classified the variant as VUS (n=1), benign (n=1) and likely benign (n=2). Based on the evidence outlined above, the variant was classified as likely benign.

Eurofins Ntd Llc (ga)
Classification: Benign. Last evaluated: 2015-12-09. Review status: criteria provided, single submitter. Criteria: EGL Classification Definitions 2015. Collection method: clinical testing. Allele origin: germline. Observed: 1 variant allele, 1 heterozygote.

Genomic Diagnostic Laboratory, Division of Genomic Diagnostics, Children's Hospital of Philadelphia
Classification: Uncertain significance. Last evaluated: 2015-10-30. Review status: criteria provided, single submitter. Criteria: DGD Variant Analysis Guidelines. Collection method: clinical testing. Allele origin: unknown.

Natera, Inc.
Classification: Benign for Niemann-Pick disease type C1. Last evaluated: 2019-10-31. Review status: no assertion criteria provided. Collection method: clinical testing. Allele origin: germline. Not counted in ClinVar's aggregate classification.

Counsyl
Classification: Likely benign for Niemann-Pick disease, type C1. Last evaluated: 2017-12-28. Review status: no assertion criteria provided. Collection method: clinical testing. Allele origin: unknown. Not counted in ClinVar's aggregate classification.

Literature cited by the submitters: PubMed 16802107 (cited by Mayo Clinic Laboratories, Mayo Clinic and Counsyl); PubMed 19744920 (cited by Mayo Clinic Laboratories, Mayo Clinic); PubMed 25236789 (cited by Mayo Clinic Laboratories, Mayo Clinic); PubMed 25764212 (cited by Mayo Clinic Laboratories, Mayo Clinic); PubMed 27238017 (cited by Mayo Clinic Laboratories, Mayo Clinic); PubMed 32931663 (cited by Mayo Clinic Laboratories, Mayo Clinic).

NM_000271.5(NPC1):c.2882A>G (p.Asn961Ser)

Gene: NPC1 (NPC intracellular cholesterol transporter 1; minus strand). Cytogenetic location: 18q11.2.
Variant type: single nucleotide variant.
Coding change: c.2882A>G on transcript NM_000271.5 (MANE Select); coding-DNA position 2882, A replaced by G.
Protein change: p.Asn961Ser; replaces asparagine 961 with serine.
Molecular consequence: missense variant.
Genome position (GRCh38, 1-based): chr18:23,539,384, T>C on the plus strand (A>G on the coding strand, the complement: NPC1 is on the minus strand). VCF-style: chr18-23539384-T-C. GRCh37 (hg19) VCF-style: chr18-21119348-T-C.
Other names: short protein forms N961S.
Identifiers: ClinVar variation 252475 (VCV000252475.25), dbSNP rs34084984, ClinGen allele CA8912938.